The following is an entry in ClinVar:

ClinVar aggregate classification (germline): Uncertain significance. Review status: criteria provided, multiple submitters, no conflicts (2 of 4 stars). 5 submissions from 4 submitters: Uncertain significance (5). Last evaluated 2025-06-17.

Conditions:
Cone-rod dystrophy 10 (CORD10). Identifiers: Orphanet 1872, MedGen C1846529, MONDO:0012464, OMIM 610283.
Retinitis pigmentosa 35 (RP35). Identifiers: Orphanet 791, MedGen C1853214, MONDO:0012463, OMIM 610282.

Allele frequency attached by ClinVar (database versions not stated): gnomAD exomes 0.00004 and 0.00005; ExAC 0.00005; gnomAD 0.00005; TOPMed 0.00006; ESP Exome Variant Server 0.00015.

Submissions (5):

Ambry Genetics
Classification: Uncertain significance. Last evaluated: 2025-06-17. Review status: criteria provided, single submitter. Criteria: Ambry Variant Classification Scheme 2023. Collection method: clinical testing. Allele origin: germline.

Labcorp Genetics (formerly Invitae), Labcorp
Classification: Uncertain significance. Last evaluated: 2025-05-28. Review status: criteria provided, single submitter. Criteria: Invitae Variant Classification Sherloc (09022015). Collection method: clinical testing. Allele origin: germline.
Comment: This sequence change replaces leucine, which is neutral and non-polar, with proline, which is neutral and non-polar, at codon 343 of the SEMA4A protein (p.Leu343Pro). This variant is present in population databases (rs368854370, gnomAD 0.01%). This variant has not been reported in the literature in individuals affected with SEMA4A-related conditions. ClinVar contains an entry for this variant (Variation ID: 1503420). Invitae Evidence Modeling of protein sequence and biophysical properties (such as structural, functional, and spatial information, amino acid conservation, physicochemical variation, residue mobility, and thermodynamic stability) indicates that this missense variant is not expected to disrupt SEMA4A protein function with a negative predictive value of 80%. In summary, the available evidence is currently insufficient to determine the role of this variant in disease. Therefore, it has been classified as a Variant of Uncertain Significance.

Blueprint Genetics
Classification: Uncertain significance. Last evaluated: 2024-07-18. Review status: criteria provided, single submitter. Criteria: ACMG Guidelines, 2015. Collection method: clinical testing. Allele origin: germline.

Genome-Nilou Lab
Classification: Uncertain significance for Cone-rod dystrophy 10. Last evaluated: 2023-04-11. Review status: criteria provided, single submitter. Criteria: ACMG Guidelines, 2015. Collection method: clinical testing. Allele origin: germline. Affected: no.

Genome-Nilou Lab
Classification: Uncertain significance for Retinitis pigmentosa 35. Last evaluated: 2023-04-11. Review status: criteria provided, single submitter. Criteria: ACMG Guidelines, 2015. Collection method: clinical testing. Allele origin: germline. Affected: no.

NM_022367.4(SEMA4A):c.1028T>C (p.Leu343Pro)

Gene: SEMA4A (semaphorin 4A; plus strand). Cytogenetic location: 1q22.
Variant type: single nucleotide variant.
Coding change: c.1028T>C on transcript NM_022367.4 (MANE Select); coding-DNA position 1028, T replaced by C.
Protein change: p.Leu343Pro; replaces leucine 343 with proline.
Molecular consequence: missense variant.
Genome position (GRCh38, 1-based): chr1:156,162,988, T>C. VCF-style: chr1-156162988-T-C. GRCh37 (hg19) VCF-style: chr1-156132779-T-C.
Other names: c.1028T>C (NM_022367.3); c.1028T>C, p.Leu343Pro (NM_001193300.2, NM_001193301.2, NM_001370567.1); c.632T>C, p.Leu211Pro (NM_001193302.2); c.731T>C, p.Leu244Pro (NM_001370568.1); c.521T>C, p.Leu174Pro (NM_001370569.1, NM_001370571.1); short protein forms L174P, L211P, L343P, L244P.
Identifiers: ClinVar variation 1503420 (VCV001503420.13), dbSNP rs368854370, ClinGen allele CA1155252.